The following is an entry in ClinVar:

NM_007327.4(GRIN1):c.2608G>A (p.Ala870Thr)

Gene: GRIN1 (glutamate ionotropic receptor NMDA type subunit 1; plus strand). Cytogenetic location: 9q34.3.
Variant type: single nucleotide variant.
Coding change: c.2608G>A on transcript NM_007327.4 (MANE Select); coding-DNA position 2608, G replaced by A.
Protein change: p.Ala870Thr; replaces alanine 870 with threonine.
Molecular consequence: missense variant. On other transcripts: intron variant (3).
Genome position (GRCh38, 1-based): chr9:137,165,204, G>A. VCF-style: chr9-137165204-G-A. GRCh37 (hg19) VCF-style: chr9-140059656-G-A.
Other names: c.2671G>A, p.Ala891Thr (NM_001185090.2); c.2652+1300G>A (NM_001185091.2); c.2589+1300G>A (NM_021569.4, NM_000832.7); short protein forms A870T, A891T.
Identifiers: ClinVar variation 2823049 (VCV002823049.3), dbSNP rs139803216, ClinGen allele CA5361203.

ClinVar aggregate classification (germline): Uncertain significance (1 of 4 stars; one submission).

Conditions:
Neurodevelopmental disorder with or without hyperkinetic movements and seizures, autosomal dominant. Also called: Intellectual disability, autosomal dominant 8. Identifiers: MedGen C3280282, MONDO:0013655, OMIM 614254.

Allele frequency attached by ClinVar (database versions not stated): gnomAD exomes below 0.00001; ExAC 0.00001; gnomAD 0.00001; 1000 Genomes Project 30x 0.00016; 1000 Genomes Project 0.00020.

Submission:

Labcorp Genetics (formerly Invitae), Labcorp
Classification: Uncertain significance for Neurodevelopmental disorder with or without hyperkinetic movements and seizures, autosomal dominant. Last evaluated: 2022-12-21. Review status: criteria provided, single submitter. Criteria: Invitae Variant Classification Sherloc (09022015). Collection method: clinical testing. Allele origin: germline.
Comment: In summary, the available evidence is currently insufficient to determine the role of this variant in disease. Therefore, it has been classified as a Variant of Uncertain Significance. Advanced modeling of protein sequence and biophysical properties (such as structural, functional, and spatial information, amino acid conservation, physicochemical variation, residue mobility, and thermodynamic stability) performed at Invitae indicates that this missense variant is expected to disrupt GRIN1 protein function. This variant has not been reported in the literature in individuals affected with GRIN1-related conditions. This variant is present in population databases (rs139803216, gnomAD 0.0009%). This sequence change replaces alanine, which is neutral and non-polar, with threonine, which is neutral and polar, at codon 870 of the GRIN1 protein (p.Ala870Thr).